The following is an entry in ClinVar:

NM_001261826.3(AP3D1):c.2002-5_2002-4inv

Gene: AP3D1 (adaptor related protein complex 3 subunit delta 1; minus strand). Cytogenetic location: 19p13.3.
Variant type: Inversion.
Coding change: c.2002-5_2002-4inv on transcript NM_001261826.3 (MANE Select).
Molecular consequence: intron variant.
Genome position: GRCh38 VCF-style: chr19-2116282-TG-CA. GRCh37 (hg19) VCF-style: chr19-2116281-TG-CA.
Other names: c.2002-5_2002-4inv (NM_003938.8, NM_001374799.1).
Identifiers: ClinVar variation 2019050 (VCV002019050.4), ClinGen allele CA2580096190.

ClinVar aggregate classification (germline): Uncertain significance (1 of 4 stars; one submission).

Submission:

Labcorp Genetics (formerly Invitae), Labcorp
Classification: Uncertain significance. Last evaluated: 2022-07-23. Review status: criteria provided, single submitter. Criteria: Invitae Variant Classification Sherloc (09022015). Collection method: clinical testing. Allele origin: germline.
Comment: This sequence change falls in intron 17 of the AP3D1 gene. It does not directly change the encoded amino acid sequence of the AP3D1 protein. In summary, the available evidence is currently insufficient to determine the role of this variant in disease. Therefore, it has been classified as a Variant of Uncertain Significance. Experimental studies and prediction algorithms are not available or were not evaluated, and the effect of this variant on mRNA splicing is currently unknown. This variant has not been reported in the literature in individuals affected with AP3D1-related conditions. Information on the frequency of this variant in the gnomAD database is not available, as this variant may be reported differently in the database.